The following is an entry in ClinVar:

ClinVar aggregate classification (germline): Likely benign. Review status: criteria provided, multiple submitters, no conflicts (2 of 4 stars). 4 submissions from 4 submitters: Likely benign (4). Last evaluated 2025-11-25.

Conditions:
ATP2B2-related disorder. Also called: ATP2B2-related condition.

Allele frequency attached by ClinVar (database versions not stated): TOPMed 0.00034; gnomAD 0.00039 and 0.00042; gnomAD exomes 0.00042 and 0.00047; ESP Exome Variant Server 0.00046; ExAC 0.00055.
gnomAD v4.1: 739 of 1,614,072 alleles (0.046%); highest among the groups gnomAD compares: Non-Finnish European, 0.056%; no homozygotes.

Submissions (4):

Labcorp Genetics (formerly Invitae), Labcorp
Classification: Likely benign. Last evaluated: 2025-11-25. Review status: criteria provided, single submitter. Criteria: Invitae Variant Classification Sherloc (09022015). Collection method: clinical testing. Allele origin: germline.

PreventionGenetics, part of Exact Sciences
Classification: Likely benign for ATP2B2-related condition. Last evaluated: 2025-11-04. Review status: criteria provided, single submitter. Criteria: ACMG Guidelines, 2015. Collection method: clinical testing. Allele origin: germline.
Comment: This variant is classified as likely benign based on ACMG/AMP sequence variant interpretation guidelines (Richards et al. 2015 PMID: 25741868, with internal and published modifications).

Blueprint Genetics
Classification: Likely benign. Last evaluated: 2024-05-30. Review status: criteria provided, single submitter. Criteria: ACMG Guidelines, 2015. Collection method: clinical testing. Allele origin: germline.

CeGaT Center for Human Genetics Tuebingen
Classification: Likely benign. Last evaluated: 2023-03-01. Review status: criteria provided, single submitter. Criteria: CeGaT Center For Human Genetics Tuebingen Variant Classification Criteria Version 2. Collection method: clinical testing. Allele origin: germline. Affected: yes. Observed: 1 variant allele.
Comment: ATP2B2: BP4, BP7

NM_001001331.4(ATP2B2):c.306G>A (p.Ala102=)

Gene: ATP2B2 (ATPase plasma membrane Ca2+ transporting 2; minus strand). Cytogenetic location: 3p25.3.
Variant type: single nucleotide variant.
Coding change: c.306G>A on transcript NM_001001331.4 (MANE Select); coding-DNA position 306, G replaced by A.
Protein change: p.Ala102=; no amino-acid change (alanine 102 retained).
Molecular consequence: synonymous variant.
Genome position (GRCh38, 1-based): chr3:10,410,709, C>T on the plus strand (G>A on the coding strand, the complement: ATP2B2 is on the minus strand). VCF-style: chr3-10410709-C-T. GRCh37 (hg19) VCF-style: chr3-10452393-C-T.
Other names: c.306G>A, p.Ala102= (NM_001330611.3, NM_001353564.1, NM_001363862.1 and 1 more transcripts); c.306G>A (NM_001683.3).
Identifiers: ClinVar variation 1553955 (VCV001553955.33), dbSNP rs140890685, ClinGen allele CA2254055.